The following is an entry in ClinVar:

ClinVar aggregate classification (germline): Uncertain significance. Review status: criteria provided, multiple submitters, no conflicts (2 of 4 stars). 2 submissions from 2 submitters: Uncertain significance (2). Last evaluated 2025-07-12.

Conditions:
Erythrocytosis, familial, 3 (ECYT3). Identifiers: Orphanet 247511, MedGen C1853286, MONDO:0012353, OMIM 609820.

Allele frequency attached by ClinVar (database versions not stated): gnomAD 0.00001; gnomAD exomes 0.00001; 1000 Genomes Project 0.00020; 1000 Genomes Project 30x 0.00031.

Submissions (2):

Ambry Genetics
Classification: Uncertain significance. Last evaluated: 2025-07-12. Review status: criteria provided, single submitter. Criteria: Ambry Variant Classification Scheme 2023. Collection method: clinical testing. Allele origin: germline.
Comment: The p.E92A variant (also known as c.275A>C), located in coding exon 1 of the EGLN1 gene, results from an A to C substitution at nucleotide position 275. The glutamic acid at codon 92 is replaced by alanine, an amino acid with dissimilar properties. This amino acid position is conserved. In addition, this alteration is predicted to be tolerated by in silico analysis. Since supporting evidence is limited at this time, the clinical significance of this alteration remains unclear.

Labcorp Genetics (formerly Invitae), Labcorp
Classification: Uncertain significance for Erythrocytosis, familial, 3. Last evaluated: 2025-01-30. Review status: criteria provided, single submitter. Criteria: Invitae Variant Classification Sherloc (09022015). Collection method: clinical testing. Allele origin: germline.
Comment: This sequence change replaces glutamic acid, which is acidic and polar, with alanine, which is neutral and non-polar, at codon 92 of the EGLN1 protein (p.Glu92Ala). This variant is not present in population databases (gnomAD no frequency). This variant has not been reported in the literature in individuals affected with EGLN1-related conditions. ClinVar contains an entry for this variant (Variation ID: 1795649). An algorithm developed to predict the effect of missense changes on protein structure and function outputs the following: PolyPhen-2: "Benign". The alanine amino acid residue is found in multiple mammalian species, which suggests that this missense change does not adversely affect protein function. In summary, the available evidence is currently insufficient to determine the role of this variant in disease. Therefore, it has been classified as a Variant of Uncertain Significance.

NM_022051.3(EGLN1):c.275A>C (p.Glu92Ala)

Gene: EGLN1 (egl-9 family hypoxia inducible factor 1; minus strand). Cytogenetic location: 1q42.2.
Variant type: single nucleotide variant.
Coding change: c.275A>C on transcript NM_022051.3 (MANE Select); coding-DNA position 275, A replaced by C.
Protein change: p.Glu92Ala; replaces glutamic acid 92 with alanine.
Molecular consequence: missense variant.
Genome position (GRCh38, 1-based): chr1:231,421,614, T>G on the plus strand (A>C on the coding strand, the complement: EGLN1 is on the minus strand). VCF-style: chr1-231421614-T-G. GRCh37 (hg19) VCF-style: chr1-231557360-T-G.
Other names: c.275A>C, p.Glu92Ala (NM_001377260.1, NM_001377261.1); short protein forms E92A.
Identifiers: ClinVar variation 1795649 (VCV001795649.7), dbSNP rs553659934, ClinGen allele CA38948941.